The following is an entry in ClinVar:

NM_001199138.2(NLRC4):c.1400T>C (p.Val467Ala)

Gene: NLRC4 (NLR family CARD domain containing 4; minus strand). Cytogenetic location: 2p22.3.
Variant type: single nucleotide variant.
Coding change: c.1400T>C on transcript NM_001199138.2 (MANE Select); coding-DNA position 1400, T replaced by C.
Protein change: p.Val467Ala; replaces valine 467 with alanine.
Molecular consequence: missense variant. On other transcripts: intron variant (1).
Genome position (GRCh38, 1-based): chr2:32,250,464, A>G on the plus strand (T>C on the coding strand, the complement: NLRC4 is on the minus strand). VCF-style: chr2-32250464-A-G. GRCh37 (hg19) VCF-style: chr2-32475533-A-G.
Other names: c.1400T>C, p.Val467Ala (NM_001199139.2, NM_021209.5); c.262+1955T>C (NM_001302504.1); short protein forms V467A.
Identifiers: ClinVar variation 847560 (VCV000847560.9), dbSNP rs774262869, ClinGen allele CA1601999.

ClinVar aggregate classification (germline): Uncertain significance (1 of 4 stars; one submission).

Conditions:
Familial cold autoinflammatory syndrome 4 (FCAS4). Identifiers: Orphanet 47045, Orphanet 576349, MedGen C4015276, MONDO:0014498, OMIM 616115.
Periodic fever-infantile enterocolitis-autoinflammatory syndrome. Also called: Autoinflammation with infantile enterocolitis. Identifiers: Orphanet 436166, MedGen C4015067, MONDO:0014472, OMIM 616050.

Allele frequency attached by ClinVar (database versions not stated): gnomAD exomes 0.00001 and 0.00003; ExAC 0.00005; gnomAD 0.00001.
gnomAD v4.1: 9 of 1,613,914 alleles (0.00056%); highest among the groups gnomAD compares: Non-Finnish European, 0.00068%; no homozygotes.

Submission:

Labcorp Genetics (formerly Invitae), Labcorp
Classification: Uncertain significance for Periodic fever-infantile enterocolitis-autoinflammatory syndrome; Familial cold autoinflammatory syndrome 4. Last evaluated: 2024-06-03. Review status: criteria provided, single submitter. Criteria: Invitae Variant Classification Sherloc (09022015). Collection method: clinical testing. Allele origin: germline.
Comment: This sequence change replaces valine, which is neutral and non-polar, with alanine, which is neutral and non-polar, at codon 467 of the NLRC4 protein (p.Val467Ala). This variant is present in population databases (rs774262869, gnomAD 0.004%). This variant has not been reported in the literature in individuals affected with NLRC4-related conditions. ClinVar contains an entry for this variant (Variation ID: 847560). Advanced modeling of protein sequence and biophysical properties (such as structural, functional, and spatial information, amino acid conservation, physicochemical variation, residue mobility, and thermodynamic stability) performed at Invitae indicates that this missense variant is expected to disrupt NLRC4 protein function with a positive predictive value of 80%. In summary, the available evidence is currently insufficient to determine the role of this variant in disease. Therefore, it has been classified as a Variant of Uncertain Significance.